The following is an entry in ClinVar:

NM_020822.3(KCNT1):c.2008+114T>C

Gene: KCNT1 (potassium sodium-activated channel subfamily T member 1; plus strand). Cytogenetic location: 9q34.3.
Variant type: single nucleotide variant.
Coding change: c.2008+114T>C on transcript NM_020822.3 (MANE Select); 114 bases into the intron after coding-DNA position 2008, T replaced by C.
Molecular consequence: intron variant.
Genome position (GRCh38, 1-based): chr9:135,771,209, T>C. VCF-style: chr9-135771209-T-C. GRCh37 (hg19) VCF-style: chr9-138663055-T-C.
Other names: c.1873+114T>C (NM_001272003.2).
Identifiers: ClinVar variation 677347 (VCV000677347.1), dbSNP rs150112196, ClinGen allele CA201473685.

ClinVar aggregate classification (germline): Benign (1 of 4 stars; one submission).

Allele frequency attached by ClinVar (database versions not stated): gnomAD exomes 0.00257; 1000 Genomes Project 0.02376; 1000 Genomes Project 30x 0.02452; gnomAD 0.02591 and 0.02796; TOPMed 0.02805.
gnomAD v4.1: 6,044 of 978,296 alleles (0.62%); highest among the groups gnomAD compares: African/African-American, 8.9%; 252 homozygotes.

Submission:

GeneDx
Classification: Benign. Last evaluated: 2018-06-19. Review status: criteria provided, single submitter. Criteria: GeneDx Variant Classification (06012015). Collection method: clinical testing. Allele origin: germline. Affected: yes.
Comment: This variant is considered likely benign or benign based on one or more of the following criteria: it is a conservative change, it occurs at a poorly conserved position in the protein, it is predicted to be benign by multiple in silico algorithms, and/or has population frequency not consistent with disease.